The following is an entry in ClinVar:

NM_145239.3(PRRT2):c.342G>T (p.Val114=)

Genes: MVP-DT (MVP divergent transcript; minus strand), PRRT2 (proline rich transmembrane protein 2; plus strand). Cytogenetic location: 16p11.2.
Variant type: single nucleotide variant.
Coding change: c.342G>T on transcript NM_145239.3 (MANE Select); coding-DNA position 342, G replaced by T.
Protein change: p.Val114=; no amino-acid change (valine 114 retained).
Molecular consequence: synonymous variant.
Genome position (GRCh38, 1-based): chr16:29,813,396, G>T. VCF-style: chr16-29813396-G-T. GRCh37 (hg19) VCF-style: chr16-29824717-G-T.
Other names: c.342G>T, p.Val114= (NM_001256442.2, NM_001256443.2); c.342G>T (NM_001256442.1).
Identifiers: ClinVar variation 2720454 (VCV002720454.5), dbSNP rs1300868657, ClinGen allele CA494883701.

ClinVar aggregate classification (germline): Likely benign. Review status: criteria provided, single submitter (1 of 4 stars). 2 submissions from 2 submitters: Likely benign (1). 1 of the submissions does not count toward it. Last evaluated 2026-01-11.

Conditions:
PRRT2-Related Disorder. Also called: PRRT2-related disorders. Identifiers: MedGen CN381059.
Episodic kinesigenic dyskinesia (EKD). Also called: Paroxysmal kinesigenic dyskinesia. Identifiers: Orphanet 98809, MedGen C1868682, MONDO:0044202.

Submissions (2):

Labcorp Genetics (formerly Invitae), Labcorp
Classification: Likely benign for Episodic kinesigenic dyskinesia. Last evaluated: 2026-01-11. Review status: criteria provided, single submitter. Criteria: Invitae Variant Classification Sherloc (09022015). Collection method: clinical testing. Allele origin: germline.

PreventionGenetics, part of Exact Sciences
Classification: Likely benign for PRRT2-related condition. Last evaluated: 2022-09-08. Review status: no assertion criteria provided. Collection method: clinical testing. Allele origin: germline. Not counted in ClinVar's aggregate classification.
Comment: This variant is classified as likely benign based on ACMG/AMP sequence variant interpretation guidelines (Richards et al. 2015 PMID: 25741868, with internal and published modifications).